The following is an entry in ClinVar:

NM_000022.4(ADA):c.261A>G (p.Val87=)

Gene: ADA (adenosine deaminase; minus strand). Cytogenetic location: 20q13.12.
Variant type: single nucleotide variant.
Coding change: c.261A>G on transcript NM_000022.4 (MANE Select); coding-DNA position 261, A replaced by G.
Protein change: p.Val87=; no amino-acid change (valine 87 retained).
Molecular consequence: synonymous variant. On other transcripts: 5 prime UTR variant (1), non-coding transcript variant (1).
Genome position (GRCh38, 1-based): chr20:44,626,557, T>C on the plus strand (A>G on the coding strand, the complement: ADA is on the minus strand). VCF-style: chr20-44626557-T-C. GRCh37 (hg19) VCF-style: chr20-43255198-T-C.
Other names: c.-29A>G (NM_001322050.2); c.261A>G, p.Val87= (NM_001322051.2).
Identifiers: ClinVar variation 4084821 (VCV004084821.8).

ClinVar aggregate classification (germline): Likely benign (1 of 4 stars; one submission).

gnomAD v4.1: 1 of 1,614,158 alleles (0.000062%); highest among the groups gnomAD compares: South Asian, 0.0011%; no homozygotes.

Submission:

CeGaT Center for Human Genetics Tuebingen
Classification: Likely benign. Last evaluated: 2025-07-01. Review status: criteria provided, single submitter. Criteria: CeGaT Center For Human Genetics Tuebingen Variant Classification Criteria Version 2. Collection method: clinical testing. Allele origin: germline. Affected: yes. Observed: 1 variant allele.
Comment: ADA: BP4, BP7